The following is an entry in ClinVar:

NM_198252.3(GSN):c.1250T>A (p.Phe417Tyr)

Gene: GSN (gelsolin; plus strand). Cytogenetic location: 9q33.2.
Variant type: single nucleotide variant.
Coding change: c.1250T>A on transcript NM_198252.3 (MANE Select); coding-DNA position 1250, T replaced by A.
Protein change: p.Phe417Tyr; replaces phenylalanine 417 with tyrosine.
Molecular consequence: missense variant.
Genome position (GRCh38, 1-based): chr9:121,321,326, T>A. VCF-style: chr9-121321326-T-A. GRCh37 (hg19) VCF-style: chr9-124083604-T-A.
Other names: c.1403T>A, p.Phe468Tyr (NM_000177.5); c.1250T>A, p.Phe417Tyr (NM_001127662.2, NM_001127664.2, NM_001127665.2 and 10 more transcripts); c.1358T>A, p.Phe453Tyr (NM_001127663.2); c.1283T>A, p.Phe428Tyr (NM_001127666.2, NM_001127667.2, NM_001353069.2 and 13 more transcripts); c.1301T>A, p.Phe434Tyr (NM_001258029.2); c.1274T>A, p.Phe425Tyr (NM_001258030.2); c.1322T>A, p.Phe441Tyr (NM_001353076.2); c.596T>A, p.Phe199Tyr (NM_001353078.2); short protein forms F434Y, F199Y, F417Y, F425Y, F453Y, F468Y, F428Y, F441Y.
Identifiers: ClinVar variation 2799792 (VCV002799792.3), dbSNP rs2541040851, ClinGen allele CA374749768.
Genomic context (GRCh38, chr9:121,321,326, plus strand): 5'-AGATCTGGAGAATCGAAGGTTCCAACAAGGTGCCCGTGGACCCTGCCACATATGGACAGT[T>A]CTATGGAGGCGACAGCTACATCATTCTGTACAACTACCGCCATGGTGGCCGCCAGGGGCA-3'
Protein context (NP_937895.1, residues 407-427): VPVDPATYGQ[Phe417Tyr]YGGDSYIILY

ClinVar aggregate classification (germline): Uncertain significance (1 of 4 stars; one submission).

Submission:

Labcorp Genetics (formerly Invitae), Labcorp
Classification: Uncertain significance. Last evaluated: 2024-06-12. Review status: criteria provided, single submitter. Criteria: Invitae Variant Classification Sherloc (09022015). Collection method: clinical testing. Allele origin: germline.
Comment: This sequence change replaces phenylalanine, which is neutral and non-polar, with tyrosine, which is neutral and polar, at codon 468 of the GSN protein (p.Phe468Tyr). This variant is not present in population databases (gnomAD no frequency). This variant has not been reported in the literature in individuals affected with GSN-related conditions. Advanced modeling of protein sequence and biophysical properties (such as structural, functional, and spatial information, amino acid conservation, physicochemical variation, residue mobility, and thermodynamic stability) performed at Invitae indicates that this missense variant is expected to disrupt GSN protein function with a positive predictive value of 80%. In summary, the available evidence is currently insufficient to determine the role of this variant in disease. Therefore, it has been classified as a Variant of Uncertain Significance.